The following is an entry in ClinVar:

ClinVar aggregate classification (germline): Uncertain significance. Review status: criteria provided, multiple submitters, no conflicts (2 of 4 stars). 4 submissions from 4 submitters: Uncertain significance (4). Last evaluated 2025-05-03.

Conditions:
Cardiovascular phenotype. Identifiers: MedGen CN230736.
Brugada syndrome 8 (BRGDA8). Identifiers: Orphanet 130, MedGen C2751083, MONDO:0013148, OMIM 613123.

Allele frequency attached by ClinVar (database versions not stated): TOPMed 0.00002; gnomAD exomes 0.00006; ExAC 0.00006.
gnomAD v4.1: 17 of 1,522,596 alleles (0.0011%); highest among the groups gnomAD compares: Middle Eastern, 0.036%; no homozygotes.

Submissions (4):

Ambry Genetics
Classification: Uncertain significance for Cardiovascular phenotype. Last evaluated: 2025-05-03. Review status: criteria provided, single submitter. Criteria: Ambry Variant Classification Scheme 2023. Collection method: clinical testing. Allele origin: germline.
Comment: The p.R949Q variant (also known as c.2846G>A), located in coding exon 8 of the HCN4 gene, results from a G to A substitution at nucleotide position 2846. The arginine at codon 949 is replaced by glutamine, an amino acid with highly similar properties. This amino acid position is conserved. In addition, this alteration is predicted to be tolerated by in silico analysis. Based on the available evidence, the clinical significance of this variant remains unclear.

Mayo Clinic Laboratories, Mayo Clinic
Classification: Uncertain significance. Last evaluated: 2025-01-24. Review status: criteria provided, single submitter. Criteria: ACMG Guidelines, 2015. Collection method: clinical testing. Allele origin: germline. Observed: 1 variant allele.

Labcorp Genetics (formerly Invitae), Labcorp
Classification: Uncertain significance for Brugada syndrome 8. Last evaluated: 2024-12-10. Review status: criteria provided, single submitter. Criteria: Invitae Variant Classification Sherloc (09022015). Collection method: clinical testing. Allele origin: germline.
Comment: This sequence change replaces arginine, which is basic and polar, with glutamine, which is neutral and polar, at codon 949 of the HCN4 protein (p.Arg949Gln). The frequency data for this variant in the population databases is considered unreliable, as metrics indicate poor data quality at this position in the gnomAD database. This variant has not been reported in the literature in individuals affected with HCN4-related conditions. ClinVar contains an entry for this variant (Variation ID: 933551). Invitae Evidence Modeling of protein sequence and biophysical properties (such as structural, functional, and spatial information, amino acid conservation, physicochemical variation, residue mobility, and thermodynamic stability) indicates that this missense variant is not expected to disrupt HCN4 protein function with a negative predictive value of 95%. In summary, the available evidence is currently insufficient to determine the role of this variant in disease. Therefore, it has been classified as a Variant of Uncertain Significance.

GeneDx
Classification: Uncertain significance. Last evaluated: 2024-07-09. Review status: criteria provided, single submitter. Criteria: GeneDx Variant Classification Process June 2021. Collection method: clinical testing. Allele origin: germline. Affected: yes.
Comment: Has not been previously published as pathogenic or benign to our knowledge; In silico analysis indicates that this missense variant does not alter protein structure/function

NM_005477.3(HCN4):c.2846G>A (p.Arg949Gln)

Gene: HCN4 (hyperpolarization activated cyclic nucleotide gated potassium channel 4; minus strand). Cytogenetic location: 15q24.1.
Variant type: single nucleotide variant.
Coding change: c.2846G>A on transcript NM_005477.3 (MANE Select); coding-DNA position 2846, G replaced by A.
Protein change: p.Arg949Gln; replaces arginine 949 with glutamine.
Molecular consequence: missense variant.
Genome position (GRCh38, 1-based): chr15:73,323,247, C>T on the plus strand (G>A on the coding strand, the complement: HCN4 is on the minus strand). VCF-style: chr15-73323247-C-T. GRCh37 (hg19) VCF-style: chr15-73615588-C-T.
Other names: p.Arg949Gln; short protein forms R949Q.
Identifiers: ClinVar variation 933551 (VCV000933551.11), dbSNP rs752139441, ClinGen allele CA7648939.